The following is an entry in ClinVar:

ClinVar aggregate classification (germline): Uncertain significance (1 of 4 stars; one submission).

Conditions:
Hereditary cancer-predisposing syndrome. Also called: Tumor predisposition; Neoplastic Syndromes, Hereditary; Hereditary Cancer Syndrome; Hereditary neoplastic syndrome. Identifiers: Orphanet 140162, MedGen C0027672, MeSH D009386, MONDO:0015356.

Submission:

Ambry Genetics
Classification: Uncertain significance for Hereditary cancer-predisposing syndrome. Last evaluated: 2023-01-22. Review status: criteria provided, single submitter. Criteria: Ambry Variant Classification Scheme 2023. Collection method: clinical testing. Allele origin: germline.
Comment: The p.H1058Q variant (also known as c.3174C>A), located in coding exon 15 of the BLM gene, results from a C to A substitution at nucleotide position 3174. The histidine at codon 1058 is replaced by glutamine, an amino acid with highly similar properties. This amino acid position is poorly conserved in available vertebrate species. In addition, this alteration is predicted to be tolerated by in silico analysis. Since supporting evidence is limited at this time, the clinical significance of this alteration remains unclear.

NM_000057.4(BLM):c.3174C>A (p.His1058Gln)

Gene: BLM (BLM RecQ like helicase; plus strand). Cytogenetic location: 15q26.1.
Variant type: single nucleotide variant.
Coding change: c.3174C>A on transcript NM_000057.4 (MANE Select); coding-DNA position 3174, C replaced by A.
Protein change: p.His1058Gln; replaces histidine 1058 with glutamine.
Molecular consequence: missense variant.
Genome position (GRCh38, 1-based): chr15:90,794,321, C>A. VCF-style: chr15-90794321-C-A. GRCh37 (hg19) VCF-style: chr15-91337551-C-A.
Other names: c.3174C>A, p.His1058Gln (NM_001287246.2, NM_001287247.2); c.2049C>A, p.His683Gln (NM_001287248.2); short protein forms H683Q, H1058Q.
Identifiers: ClinVar variation 1728472 (VCV001728472.3), dbSNP rs1896978814, ClinGen allele CA393847003.